The following is an entry in ClinVar:

NM_002473.6(MYH9):c.4741G>A (p.Glu1581Lys)

Gene: MYH9 (myosin heavy chain 9; minus strand). Cytogenetic location: 22q12.3.
Variant type: single nucleotide variant.
Coding change: c.4741G>A on transcript NM_002473.6 (MANE Select); coding-DNA position 4741, G replaced by A.
Protein change: p.Glu1581Lys; replaces glutamic acid 1581 with lysine.
Molecular consequence: missense variant.
Genome position (GRCh38, 1-based): chr22:36,288,756, C>T on the plus strand (G>A on the coding strand, the complement: MYH9 is on the minus strand). VCF-style: chr22-36288756-C-T. GRCh37 (hg19) VCF-style: chr22-36684802-C-T.
Other names: short protein forms E1581K.
Identifiers: ClinVar variation 1304394 (VCV001304394.17), dbSNP rs566790184, ClinGen allele CA10209305.

ClinVar aggregate classification (germline): Conflicting classifications of pathogenicity. Review status: criteria provided, conflicting classifications (1 of 4 stars). 4 submissions from 4 submitters: Uncertain significance (2); Likely benign (2). Last evaluated 2025-05-01.

Conditions:
Autosomal dominant nonsyndromic hearing loss 17. Also called: Autosomal dominant nonsyndromic deafness 17; Deafness, autosomal dominant 17. Identifiers: Orphanet 90635, MedGen C1863659, MONDO:0011350, OMIM 603622.
Macrothrombocytopenia and granulocyte inclusions with or without nephritis or sensorineural hearing loss (MATINS). Also called: MYH9-Related Disease (MYH9-RD); MACROTHROMBOCYTOPENIA WITH LEUKOCYTE INCLUSIONS; BLEEDING DISORDER, PLATELET-TYPE, 6; MAY-HEGGLIN ANOMALY; SEBASTIAN PLATELET SYNDROME; MACROTHROMBOCYTOPENIA WITH DISPERSED LEUKOCYTIC INCLUSIONS. Identifiers: Orphanet 182050, MedGen C5200934, MONDO:0015912, OMIM 155100.

Allele frequency attached by ClinVar (database versions not stated): gnomAD 0.00001; TOPMed 0.00001; ExAC 0.00002; gnomAD exomes 0.00002 and 0.00003; 1000 Genomes Project 30x 0.00016; 1000 Genomes Project 0.00020.
gnomAD v4.1: 12 of 1,607,164 alleles (0.00075%); highest among the groups gnomAD compares: Admixed American, 0.01%; no homozygotes.

Submissions (4):

CeGaT Center for Human Genetics Tuebingen
Classification: Likely benign. Last evaluated: 2025-05-01. Review status: criteria provided, single submitter. Criteria: CeGaT Center For Human Genetics Tuebingen Variant Classification Criteria Version 2. Collection method: clinical testing. Allele origin: germline. Affected: yes. Observed: 1 variant allele.
Comment: MYH9: BS2

Fulgent Genetics
Classification: Uncertain significance for Macrothrombocytopenia and granulocyte inclusions with or without nephritis or sensorineural hearing loss; Autosomal dominant nonsyndromic hearing loss 17. Last evaluated: 2024-04-28. Review status: criteria provided, single submitter. Criteria: ACMG Guidelines, 2015. Collection method: clinical testing. Allele origin: germline.

Labcorp Genetics (formerly Invitae), Labcorp
Classification: Likely benign. Last evaluated: 2023-10-03. Review status: criteria provided, single submitter. Criteria: Invitae Variant Classification Sherloc (09022015). Collection method: clinical testing. Allele origin: germline.

GeneDx
Classification: Uncertain significance. Last evaluated: 2018-12-14. Review status: criteria provided, single submitter. Criteria: GeneDx Variant Classification Process June 2021. Collection method: clinical testing. Allele origin: germline. Affected: yes.
Comment: In silico analysis, which includes protein predictors and evolutionary conservation, supports a deleterious effect; Has not been previously published as pathogenic or benign to our knowledge